The following is an entry in ClinVar:

ClinVar aggregate classification (germline): Uncertain significance (1 of 4 stars; one submission).

Conditions:
Cardiovascular phenotype. Identifiers: MedGen CN230736.

Allele frequency attached by ClinVar (database versions not stated): ExAC 0.00001; TOPMed 0.00001.

Submission:

Ambry Genetics
Classification: Uncertain significance for Cardiovascular phenotype. Last evaluated: 2023-08-13. Review status: criteria provided, single submitter. Criteria: Ambry Variant Classification Scheme 2023. Collection method: clinical testing. Allele origin: germline.
Comment: The p.V16A variant (also known as c.47T>C), located in coding exon 1 of the TNXB gene, results from a T to C substitution at nucleotide position 47. The valine at codon 16 is replaced by alanine, an amino acid with similar properties. This amino acid position is conserved. In addition, the in silico prediction for this alteration is inconclusive. Since supporting evidence is limited at this time, the clinical significance of this alteration remains unclear.

NM_001365276.2(TNXB):c.47T>C (p.Val16Ala)

Gene: TNXB (tenascin XB; minus strand). Cytogenetic location: 6p21.33.
Variant type: single nucleotide variant.
Coding change: c.47T>C on transcript NM_001365276.2 (MANE Select); coding-DNA position 47, T replaced by C.
Protein change: p.Val16Ala; replaces valine 16 with alanine.
Molecular consequence: missense variant.
Genome position (GRCh38, 1-based): chr6:32,098,152, A>G on the plus strand (T>C on the coding strand, the complement: TNXB is on the minus strand). VCF-style: chr6-32098152-A-G. GRCh37 (hg19) VCF-style: chr6-32065929-A-G.
Other names: c.47T>C, p.Val16Ala (NM_019105.8); short protein forms V16A.
Identifiers: ClinVar variation 2624723 (VCV002624723.2), dbSNP rs754301945, ClinGen allele CA3735919.
Genomic context (GRCh38, chr6:32,098,152, plus strand): 5'-GCTGGCAGTGTCACATTGGACCGTGAAGAGAAGGGGCCTGCTCTGGCTGTGCTCAGCAGC[A>G]CCAGGAGAACCAGGCTGGAGGTTAGAGCATACTGGGCTGGCATCATTCAGGAGGCTGCAG-3'
Protein context (NP_001352205.1, residues 6-26): YALTSSLVLL[Val16Ala]LLSTARAGPF